The following is an entry in ClinVar:

NM_000158.4(GBE1):c.313+9T>C

Gene: GBE1 (1,4-alpha-glucan branching enzyme 1; minus strand). Cytogenetic location: 3p12.2.
Variant type: single nucleotide variant.
Coding change: c.313+9T>C on transcript NM_000158.4 (MANE Select); 9 bases into the intron after coding-DNA position 313, T replaced by C.
Molecular consequence: intron variant.
Genome position (GRCh38, 1-based): chr3:81,705,435, A>G on the plus strand (T>C on the coding strand, the complement: GBE1 is on the minus strand). VCF-style: chr3-81705435-A-G. GRCh37 (hg19) VCF-style: chr3-81754586-A-G.
Identifiers: ClinVar variation 511485 (VCV000511485.8), dbSNP rs772444966, ClinGen allele CA2500017.

ClinVar aggregate classification (germline): Likely benign. Review status: criteria provided, multiple submitters, no conflicts (2 of 4 stars). 2 submissions from 2 submitters: Likely benign (2). Last evaluated 2020-10-14.

Conditions:
Glycogen storage disease IV, classic hepatic. Also called: GSD IV, CLASSIC HEPATIC. Identifiers: MedGen C1856301.
Glycogen storage disease, type IV (GSD4). Also called: AMYLOPECTINOSIS; ANDERSEN DISEASE; BRANCHER DEFICIENCY; CIRRHOSIS, FAMILIAL, WITH DEPOSITION OF ABNORMAL GLYCOGEN; Glycogen storage disease due to glycogen branching enzyme deficiency; GBE1 DEFICIENCY. Identifiers: Orphanet 367, MedGen C0017923, MONDO:0009292, OMIM 232500.

Allele frequency attached by ClinVar (database versions not stated): gnomAD 0.00001; gnomAD exomes 0.00001; TOPMed 0.00001; ExAC 0.00003.
gnomAD v4.1: 2 of 1,563,142 alleles (0.00013%); highest among the groups gnomAD compares: African/African-American, 0.0014%; no homozygotes.

Submissions (2):

Labcorp Genetics (formerly Invitae), Labcorp
Classification: Likely benign for Glycogen storage disease, type IV; Glycogen storage disease IV, classic hepatic. Last evaluated: 2020-10-14. Review status: criteria provided, single submitter. Criteria: Invitae Variant Classification Sherloc (09022015). Collection method: clinical testing. Allele origin: germline.

GeneDx
Classification: Likely benign. Last evaluated: 2017-08-31. Review status: criteria provided, single submitter. Criteria: GeneDx Variant Classification (06012015). Collection method: clinical testing. Allele origin: germline. Affected: yes.
Comment: This variant is considered likely benign or benign based on one or more of the following criteria: it is a conservative change, it occurs at a poorly conserved position in the protein, it is predicted to be benign by multiple in silico algorithms, and/or has population frequency not consistent with disease.